The following is an entry in ClinVar:

ClinVar aggregate classification (germline): Uncertain significance (1 of 4 stars; one submission).

gnomAD v4.1: 1 of 1,613,930 alleles (0.000062%); highest among the groups gnomAD compares: African/African-American, 0.0013%; no homozygotes.

Submission:

Labcorp Genetics (formerly Invitae), Labcorp
Classification: Uncertain significance. Last evaluated: 2024-03-27. Review status: criteria provided, single submitter. Criteria: Invitae Variant Classification Sherloc (09022015). Collection method: clinical testing. Allele origin: germline.
Comment: This sequence change falls in intron 14 of the ANXA11 gene. It does not directly change the encoded amino acid sequence of the ANXA11 protein. It affects a nucleotide within the consensus splice site. This variant is not present in population databases (gnomAD no frequency). This variant has not been reported in the literature in individuals affected with ANXA11-related conditions. Variants that disrupt the consensus splice site are a relatively common cause of aberrant splicing (PMID: 17576681, 9536098). Algorithms developed to predict the effect of sequence changes on RNA splicing suggest that this variant is not likely to affect RNA splicing. In summary, the available evidence is currently insufficient to determine the role of this variant in disease. Therefore, it has been classified as a Variant of Uncertain Significance.

Literature cited by the submitters: PubMed 17576681; PubMed 9536098.

NM_145868.2(ANXA11):c.1459-3C>T

Gene: ANXA11 (annexin A11; minus strand). Cytogenetic location: 10q22.3.
Variant type: single nucleotide variant.
Coding change: c.1459-3C>T on transcript NM_145868.2 (MANE Select); 3 bases into the intron before coding-DNA position 1459, C replaced by T.
Molecular consequence: intron variant.
Genome position (GRCh38, 1-based): chr10:80,155,915, G>A on the plus strand (C>T on the coding strand, the complement: ANXA11 is on the minus strand). VCF-style: chr10-80155915-G-A. GRCh37 (hg19) VCF-style: chr10-81915671-G-A.
Other names: c.1459-3C>T (NM_001278407.2, NM_001157.3, NM_145869.2 and 1 more transcripts); c.1360-3C>T (NM_001278409.2).
Identifiers: ClinVar variation 3699085 (VCV003699085.2).
Genomic context (GRCh38, chr10:80,155,915, plus strand): 5'-AGTCATTGCCACCACAGATCTTCAGCAGAATCTTCCGGTAATCCCCTGAAGTATCTCCCT[G>A]GCCACAGAAACAAGGAAGACATCCGTTAAGGGAGGGACAGTCACTTTCAGCCTTCTGGGT-3'